The following is an entry in ClinVar:

ClinVar aggregate classification (germline): Conflicting classifications of pathogenicity. Review status: criteria provided, conflicting classifications (1 of 4 stars). 8 submissions from 7 submitters: Uncertain significance (1); Benign (1); Likely benign (6). Last evaluated 2026-04-14.

Conditions:
Cholestasis, intrahepatic, of pregnancy, 3. Identifiers: Orphanet 69665, MedGen C3554241, MONDO:0013995, OMIM 614972.
Progressive familial intrahepatic cholestasis type 3. Also called: MDR3 DEFICIENCY; Low Gamma-GT Familial Intrahepatic Cholestasis. Identifiers: Orphanet 79305, MedGen C1865643, MONDO:0011214, OMIM 602347.
Familial intrahepatic cholestasis. Identifiers: Orphanet 284385, MedGen CN296401, MONDO:0017290.

Allele frequency attached by ClinVar (database versions not stated): gnomAD exomes 0.00023 and 0.00064; ESP Exome Variant Server 0.00038; TOPMed 0.00062; ExAC 0.00064; gnomAD 0.00068 and 0.00073; 1000 Genomes Project 30x 0.00125; 1000 Genomes Project 0.00140.
gnomAD v4.1: 518 of 1,614,064 alleles (0.032%); highest among the groups gnomAD compares: East Asian, 0.66%; 5 homozygotes.

Submissions (8):

Genomenon, Inc
Classification: Likely benign for Familial intrahepatic cholestasis. Last evaluated: 2026-04-14. Review status: criteria provided, single submitter. Criteria: Genomenon Sequence Variant Interpretation Standards - Updated. Collection method: curation. Allele origin: germline. Affected: no.
Comment: ABCB4 c.696C>T is a synonymous variant that retains Alanine at residue 232. This variant has been reported in the published literature (PMID:28733223;16763017;30118797). This synonymous variant is not predicted to impact splicing. In conclusion, we classify ABCB4 p.Ala232= (c.696C>T) as a likely benign variant.

Labcorp Genetics (formerly Invitae), Labcorp
Classification: Benign. Last evaluated: 2026-01-31. Review status: criteria provided, single submitter. Criteria: Invitae Variant Classification Sherloc (09022015). Collection method: clinical testing. Allele origin: germline.

Blueprint Genetics
Classification: Likely benign. Last evaluated: 2024-11-06. Review status: criteria provided, single submitter. Criteria: ACMG Guidelines, 2015. Collection method: clinical testing. Allele origin: germline.

GeneDx
Classification: Likely benign. Last evaluated: 2018-01-30. Review status: criteria provided, single submitter. Criteria: GeneDx Variant Classification (06012015). Collection method: clinical testing. Allele origin: germline. Affected: yes.
Comment: This variant is considered likely benign or benign based on one or more of the following criteria: it is a conservative change, it occurs at a poorly conserved position in the protein, it is predicted to be benign by multiple in silico algorithms, and/or has population frequency not consistent with disease.

Illumina Laboratory Services, Illumina
Classification: Likely benign for Progressive familial intrahepatic cholestasis type 3. Last evaluated: 2018-01-13. Review status: criteria provided, single submitter. Criteria: ICSL Variant Classification Criteria 13 December 2019. Collection method: clinical testing. Allele origin: germline.
Comment: This variant was observed in the ICSL laboratory as part of a predisposition screen in an ostensibly healthy population. It had not been previously curated by ICSL or reported in the Human Gene Mutation Database (HGMD: prior to June 1st, 2018), and was therefore a candidate for classification through an automated scoring system. Utilizing variant allele frequency, disease prevalence and penetrance estimates, and inheritance mode, an automated score was calculated to assess if this variant is too frequent to cause the disease. Based on the score and internal cut-off values, a variant classified as likely benign is not then subjected to further curation. The score for this variant resulted in a classification of likely benign for this disease.

Illumina Laboratory Services, Illumina
Classification: Likely benign for Cholestasis, intrahepatic, of pregnancy, 3. Last evaluated: 2018-01-13. Review status: criteria provided, single submitter. Criteria: ICSL Variant Classification Criteria 13 December 2019. Collection method: clinical testing. Allele origin: germline.
Comment: the same text as in the submission from Illumina Laboratory Services, Illumina above.

Baylor Genetics
Classification: Uncertain significance for Cholestasis, intrahepatic, of pregnancy, 3. Last evaluated: 2018-01-09. Review status: criteria provided, single submitter. Criteria: ACMG Guidelines, 2015. Collection method: clinical testing. Allele origin: maternal. Affected: yes.
Comment: This variant was determined to be of uncertain significance according to ACMG Guidelines, 2015 [PMID:25741868].

Eurofins Ntd Llc (ga)
Classification: Likely benign. Last evaluated: 2017-02-22. Review status: criteria provided, single submitter. Criteria: EGL Classification Definitions 2015. Collection method: clinical testing. Allele origin: germline. Observed: 1 variant allele, 1 heterozygote.

Literature cited by the submitters: PubMed 28733223 (cited by Genomenon, Inc); PubMed 16763017 (cited by Genomenon, Inc); PubMed 30118797 (cited by Genomenon, Inc).

NM_000443.4(ABCB4):c.696C>T (p.Ala232=)

Gene: ABCB4 (ATP binding cassette subfamily B member 4; minus strand). Cytogenetic location: 7q21.12.
Variant type: single nucleotide variant.
Coding change: c.696C>T on transcript NM_000443.4 (MANE Select); coding-DNA position 696, C replaced by T.
Protein change: p.Ala232=; no amino-acid change (alanine 232 retained).
Molecular consequence: synonymous variant.
Genome position (GRCh38, 1-based): chr7:87,451,635, G>A on the plus strand (C>T on the coding strand, the complement: ABCB4 is on the minus strand). VCF-style: chr7-87451635-G-A. GRCh37 (hg19) VCF-style: chr7-87080951-G-A.
Other names: c.696C>T, p.Ala232= (NM_018849.3, NM_018850.3).
Identifiers: ClinVar variation 360803 (VCV000360803.21), dbSNP rs8187791, ClinGen allele CA4327489.
Genomic context (GRCh38, chr7:87,451,635, plus strand): 5'-ACTGTGTGCAGGGGTTAACACACATAAAAAGGCCCAGCTTTCACATACCTTTGCCCAAAC[G>A]GCTGCAGAGAGTCCTAGAATAGGGCTGATGGCCATTATCACAAGGGTGAGCTTCCATCCT-3'
Protein context (NP_000434.1, residues 222-242): AISPILGLSA[Ala232=]VWAKILSAFS